The following is an entry in ClinVar:

NM_001384474.1(LOXHD1):c.1843C>T (p.Arg615Trp)

Gene: LOXHD1 (lipoxygenase homology PLAT domains 1; minus strand). Cytogenetic location: 18q21.1.
Variant type: single nucleotide variant.
Coding change: c.1843C>T on transcript NM_001384474.1 (MANE Select); coding-DNA position 1843, C replaced by T.
Protein change: p.Arg615Trp; replaces arginine 615 with tryptophan.
Molecular consequence: missense variant.
Genome position (GRCh38, 1-based): chr18:46,577,834, G>A on the plus strand (C>T on the coding strand, the complement: LOXHD1 is on the minus strand). VCF-style: chr18-46577834-G-A. GRCh37 (hg19) VCF-style: chr18-44157797-G-A.
Other names: c.1843C>T, p.Arg615Trp (NM_144612.7); short protein forms R615W.
Identifiers: ClinVar variation 194439 (VCV000194439.11), dbSNP rs112463030, ClinGen allele CA240392.
Genomic context (GRCh38, chr18:46,577,834, plus strand): 5'-GGTACCAGCCGCTGCCGGAGCCTTTGCCATCGTGTCTGATCCTCACCCGCCTCACATTCC[G>A]CATGGTGACAGACTCGATAGTGAACTCGTCAGCCTTGTGGGGGGAAACCACAAGGCCAGT-3'
Protein context (NP_001371403.1, residues 605-625): DEFTIESVTM[Arg615Trp]NVRRVRIRHD

ClinVar aggregate classification (germline): Uncertain significance. Review status: criteria provided, multiple submitters, no conflicts (2 of 4 stars). 6 submissions from 6 submitters: Uncertain significance (5). 1 of the submissions does not count toward it. Last evaluated 2026-03-05.

Conditions:
LOXHD1-related disorder. Also called: LOXHD1-related condition.
Autosomal recessive nonsyndromic hearing loss 77. Identifiers: Orphanet 90636, MedGen C2746083, MONDO:0013119, OMIM 613079.

Allele frequency attached by ClinVar (database versions not stated): TOPMed 0.00006.
gnomAD v4.1: 155 of 1,551,476 alleles (0.01%); highest among the groups gnomAD compares: Middle Eastern, 0.033%; no homozygotes.

Submissions (6):

PreventionGenetics, part of Exact Sciences
Classification: Uncertain significance for LOXHD1-related condition. Last evaluated: 2026-03-05. Review status: criteria provided, single submitter. Criteria: ACMG Guidelines, 2015. Collection method: clinical testing. Allele origin: germline.
Comment: The LOXHD1 c.1843C>T variant is predicted to result in the amino acid substitution p.Arg615Trp. This variant was reported in the heterozygous state in an individual with keratoconus, along with variants in other genes (Table 3, González-Atienza et al. 2023. PubMed ID: 37895187) and also was observed in an individual with non-syndromic hearing loss (Table 1, Zhou et al. 2016. PubMed ID: 27984600). This variant is reported in 0.034% of alleles in individuals of African descent in gnomAD. At this time, the clinical significance of this variant is uncertain due to the absence of conclusive functional and genetic evidence.

Blueprint Genetics
Classification: Uncertain significance. Last evaluated: 2024-11-04. Review status: criteria provided, single submitter. Criteria: ACMG Guidelines, 2015. Collection method: clinical testing. Allele origin: germline.

Labcorp Genetics (formerly Invitae), Labcorp
Classification: Uncertain significance. Last evaluated: 2024-04-25. Review status: criteria provided, single submitter. Criteria: Invitae Variant Classification Sherloc (09022015). Collection method: clinical testing. Allele origin: germline.
Comment: This sequence change replaces arginine, which is basic and polar, with tryptophan, which is neutral and slightly polar, at codon 615 of the LOXHD1 protein (p.Arg615Trp). This variant is present in population databases (rs112463030, gnomAD 0.03%). This variant has not been reported in the literature in individuals affected with LOXHD1-related conditions. ClinVar contains an entry for this variant (Variation ID: 194439). An algorithm developed to predict the effect of missense changes on protein structure and function (PolyPhen-2) suggests that this variant¬†is likely to be tolerated. In summary, the available evidence is currently insufficient to determine the role of this variant in disease. Therefore, it has been classified as a Variant of Uncertain Significance.

Baylor Genetics
Classification: Uncertain significance for Autosomal recessive nonsyndromic hearing loss 77. Last evaluated: 2020-10-26. Review status: criteria provided, single submitter. Criteria: ACMG Guidelines, 2015. Collection method: clinical testing. Allele origin: unknown. Affected: yes.
Comment: This variant was determined to be of uncertain significance according to ACMG Guidelines, 2015 [PMID:25741868].

Eurofins Ntd Llc (ga)
Classification: Uncertain significance. Last evaluated: 2015-03-20. Review status: criteria provided, single submitter. Criteria: EGL Classification Definitions 2015. Collection method: clinical testing. Allele origin: germline. Observed: 1 variant allele, 1 heterozygote.

Counsyl
Classification: Uncertain significance for Autosomal recessive nonsyndromic hearing loss 77. Last evaluated: 2018-04-13. Review status: no assertion criteria provided. Collection method: clinical testing. Allele origin: unknown. Not counted in ClinVar's aggregate classification.

Literature cited by the submitters: PubMed 27984600 (cited by Counsyl).